The following is an entry in ClinVar:

ClinVar aggregate classification (germline): Pathogenic (1 of 4 stars; one submission).

Conditions:
Fabry disease. Also called: ALPHA-GALACTOSIDASE A DEFICIENCY; ANDERSON-FABRY DISEASE; CERAMIDE TRIHEXOSIDASE DEFICIENCY; GLA DEFICIENCY; HEREDITARY DYSTOPIC LIPIDOSIS; Angiokeratoma corporis diffusum. Identifiers: Orphanet 324, MedGen C0002986, MONDO:0010526, OMIM 301500, HP:0001071. Disease mechanism: Fabry disease is due to inactivating mutations in the X-linked GLA gene resulting in deficiency of the enzyme Alpha Galactosidase-A., loss of function.

Submission:

Genomenon, Inc
Classification: Pathogenic for Fabry disease. Last evaluated: 2026-09-08. Review status: criteria provided, single submitter. Criteria: Genomenon Sequence Variant Interpretation Standards - Updated. Collection method: curation. Allele origin: germline. Affected: yes.
Comment: GLA p.Ile117LysfsTer4 (c.350_355delinsA) is a frameshift variant that is predicted to introduce a premature termination codon and result in a truncated or absent protein product. This variant has been observed in at least one proband with clinical features consistent with Fabry disease (PMID:30988410). It is absent or not present at a significant frequency in gnomAD. In conclusion, we classify GLA p.Ile117LysfsTer4 (c.350_355delinsA) as a pathogenic variant.

Literature cited by the submitters: PubMed 30988410.

NM_000169.3(GLA):c.350_355delinsA (p.Ile117fs)

Genes: GLA (galactosidase alpha; minus strand), RPL36A-HNRNPH2 (RPL36A-HNRNPH2 readthrough; plus strand). Cytogenetic location: Xq22.1.
Variant type: Indel.
Coding change: c.350_355delinsA on transcript NM_000169.3 (MANE Select); coding-DNA positions 350 to 355, TTCGCC replaced by A.
Protein change: p.Ile117fs; shifts the reading frame from isoleucine 117.
Molecular consequence: frameshift variant. On other transcripts: non-coding transcript variant (3), intron variant (2).
Genome position (GRCh38, 1-based): chrX:101,403,825-101,403,830, GGCGAA replaced by T on the plus strand (TTCGCC replaced by A on the coding strand, the reverse complement: GLA is on the minus strand). VCF-style: chrX-101403825-GGCGAA-T. GRCh37 (hg19) VCF-style: chrX-100658813-GGCGAA-T.
Other names: c.473_478delinsA, p.Ile158fs (NM_001406747.1, NM_001406749.1); c.350_355delinsA, p.Ile117fs (NM_001406748.1); c.301-8111_301-8106delinsT (NM_001199973.2); c.178-8111_178-8106delinsT (NM_001199974.2); short protein forms I117fs, I158fs.
Identifiers: ClinVar variation 4086947 (VCV004086947.2).